The following is an entry in ClinVar:

NM_001286.5(CLCN6):c.2556C>G (p.Asn852Lys)

Gene: CLCN6 (chloride voltage-gated channel 6; plus strand). Cytogenetic location: 1p36.22.
Variant type: single nucleotide variant.
Coding change: c.2556C>G on transcript NM_001286.5 (MANE Select); coding-DNA position 2556, C replaced by G.
Protein change: p.Asn852Lys; replaces asparagine 852 with lysine.
Molecular consequence: missense variant. On other transcripts: non-coding transcript variant (1).
Genome position (GRCh38, 1-based): chr1:11,840,169, C>G. VCF-style: chr1-11840169-C-G. GRCh37 (hg19) VCF-style: chr1-11900226-C-G.
Other names: c.2490C>G, p.Asn830Lys (NM_001256959.2); short protein forms N830K, N852K.
Identifiers: ClinVar variation 2805939 (VCV002805939.3), dbSNP rs1280646936, ClinGen allele CA338447106.
Genomic context (GRCh38, chr1:11,840,169, plus strand): 5'-CCTGAAGGTGACTCAGGCCTTCTCTTTGCCCTAGATCGTGGGGATCATCACACGGCACAA[C>G]CTCACCTATGAATTTCTGCAGGCCCGGCTGAGGCAGCACTACCAGACCATCTGACAGCCC-3'
Protein context (NP_001277.2, residues 842-862): GEIVGIITRH[Asn852Lys]LTYEFLQARL

ClinVar aggregate classification (germline): Uncertain significance (1 of 4 stars; one submission).

Allele frequency attached by ClinVar (database versions not stated): gnomAD 0.00001.
gnomAD v4.1: 13 of 1,613,844 alleles (0.00081%); highest among the groups gnomAD compares: Non-Finnish European, 0.0011%; no homozygotes.

Submission:

Labcorp Genetics (formerly Invitae), Labcorp
Classification: Uncertain significance. Last evaluated: 2023-10-05. Review status: criteria provided, single submitter. Criteria: Invitae Variant Classification Sherloc (09022015). Collection method: clinical testing. Allele origin: germline.
Comment: This sequence change replaces asparagine, which is neutral and polar, with lysine, which is basic and polar, at codon 852 of the CLCN6 protein (p.Asn852Lys). This variant is present in population databases (no rsID available, gnomAD 0.0009%). This variant has not been reported in the literature in individuals affected with CLCN6-related conditions. An algorithm developed to predict the effect of missense changes on protein structure and function (PolyPhen-2) suggests that this variant is likely to be disruptive. In summary, the available evidence is currently insufficient to determine the role of this variant in disease. Therefore, it has been classified as a Variant of Uncertain Significance.